The following is an entry in ClinVar:

NM_001195248.2(APTX):c.771-5A>G

Gene: APTX (aprataxin; minus strand). Cytogenetic location: 9p21.1.
Variant type: single nucleotide variant.
Coding change: c.771-5A>G on transcript NM_001195248.2 (MANE Select); 5 bases into the intron before coding-DNA position 771, A replaced by G.
Molecular consequence: intron variant.
Genome position (GRCh38, 1-based): chr9:32,974,566, T>C on the plus strand (A>G on the coding strand, the complement: APTX is on the minus strand). VCF-style: chr9-32974566-T-C. GRCh37 (hg19) VCF-style: chr9-32974564-T-C.
Other names: c.609-5A>G (NM_001369001.1, NM_001369000.1, NM_001195250.2 and 1 more transcripts); c.771-5A>G (NM_001368996.1, NM_001368995.1, NM_001368997.1 and 6 more transcripts); c.507-5A>G (NM_001369002.1, NM_001369003.1, NM_001369004.1 and 5 more transcripts); c.555-5A>G (NM_001195252.2).
Identifiers: ClinVar variation 749087 (VCV000749087.14), dbSNP rs751250105, ClinGen allele CA5022307.

ClinVar aggregate classification (germline): Conflicting classifications of pathogenicity. Review status: criteria provided, conflicting classifications (1 of 4 stars). 3 submissions from 3 submitters: Uncertain significance (2); Likely benign (1). Last evaluated 2025-09-03.

Conditions:
Ataxia, early-onset, with oculomotor apraxia and hypoalbuminemia (EAOH). Also called: Ataxia-oculomotor apraxia type 1; ATAXIA-OCULOMOTOR APRAXIA SYNDROME; ATAXIA-TELANGIECTASIA-LIKE SYNDROME. Identifiers: Orphanet 1168, MedGen C1859598, MONDO:0008842, OMIM 208920.

Allele frequency attached by ClinVar (database versions not stated): gnomAD 0.00006 and 0.00008; TOPMed 0.00006; gnomAD exomes 0.00007 and 0.00010; ExAC 0.00012.
gnomAD v4.1: 110 of 1,526,116 alleles (0.0072%); highest among the groups gnomAD compares: East Asian, 0.051%; 1 homozygote.

Submissions (4):

Labcorp Genetics (formerly Invitae), Labcorp
Classification: Likely benign. Last evaluated: 2025-09-03. Review status: criteria provided, single submitter. Criteria: Invitae Variant Classification Sherloc (09022015). Collection method: clinical testing. Allele origin: germline.

GeneDx
Classification: Uncertain significance. Last evaluated: 2019-07-11. Review status: criteria provided, single submitter. Criteria: GeneDx Variant Classification Process June 2021. Collection method: clinical testing. Allele origin: germline. Affected: yes.
Comment: In silico analysis, which includes splice predictors and evolutionary conservation, supports a deleterious effect; Has not been previously published as pathogenic or benign to our knowledge

Illumina Laboratory Services, Illumina
Classification: Uncertain significance for Ataxia, early-onset, with oculomotor apraxia and hypoalbuminemia. Last evaluated: 2018-01-12. Review status: criteria provided, single submitter. Criteria: ICSL Variant Classification Criteria 13 December 2019. Collection method: clinical testing. Allele origin: germline.

Dr. Peter K. Rogan Lab, Western University
No classification provided (evidence only). Condition: Hepatocellular carcinoma. Review status: no classification provided. Collection method: in vitro. Allele origin: not applicable. Functional consequence: cryptic splice site, retained intron. Not counted in ClinVar's aggregate classification.